The following is an entry in ClinVar:

NM_000231.3(SGCG):c.435C>A (p.Asn145Lys)

Gene: SGCG (sarcoglycan gamma; plus strand). Cytogenetic location: 13q12.12.
Variant type: single nucleotide variant.
Coding change: c.435C>A on transcript NM_000231.3 (MANE Select); coding-DNA position 435, C replaced by A.
Protein change: p.Asn145Lys; replaces asparagine 145 with lysine.
Molecular consequence: missense variant.
Genome position (GRCh38, 1-based): chr13:23,279,408, C>A. VCF-style: chr13-23279408-C-A. GRCh37 (hg19) VCF-style: chr13-23853547-C-A.
Other names: c.489C>A, p.Asn163Lys (NM_001378244.1); c.435C>A, p.Asn145Lys (NM_001378245.1, NM_001378246.1); short protein forms N163K, N145K.
Identifiers: ClinVar variation 1958355 (VCV001958355.5), dbSNP rs35628352, ClinGen allele CA387504038.

ClinVar aggregate classification (germline): Uncertain significance (1 of 4 stars; one submission).

Conditions:
Autosomal recessive limb-girdle muscular dystrophy type 2C (LGMDR5). Also called: MUSCULAR DYSTROPHY, LIMB-GIRDLE, AUTOSOMAL RECESSIVE 5; MUSCULAR DYSTROPHY, DUCHENNE-LIKE. Identifiers: Orphanet 353, MedGen C0410173, MONDO:0009677, OMIM 253700. Disease mechanism: Affects gamma-sarcoglycan and also disrupts the integrity of the entire sarcoglycan complex..

Submission:

Labcorp Genetics (formerly Invitae), Labcorp
Classification: Uncertain significance for Autosomal recessive limb-girdle muscular dystrophy type 2C. Last evaluated: 2022-03-14. Review status: criteria provided, single submitter. Criteria: Invitae Variant Classification Sherloc (09022015). Collection method: clinical testing. Allele origin: germline.
Comment: This sequence change replaces asparagine, which is neutral and polar, with lysine, which is basic and polar, at codon 145 of the SGCG protein (p.Asn145Lys). This variant is not present in population databases (gnomAD no frequency). This variant has not been reported in the literature in individuals affected with SGCG-related conditions. In summary, the available evidence is currently insufficient to determine the role of this variant in disease. Therefore, it has been classified as a Variant of Uncertain Significance. Algorithms developed to predict the effect of missense changes on protein structure and function output the following: SIFT: "Tolerated"; PolyPhen-2: "Benign"; Align-GVGD: "Class C0". The lysine amino acid residue is found in multiple mammalian species, which suggests that this missense change does not adversely affect protein function.